The following is an entry in ClinVar:

ClinVar aggregate classification (germline): Benign (1 of 4 stars; one submission).

Allele frequency attached by ClinVar (database versions not stated): 1000 Genomes Project 30x 0.99688; TOPMed 0.99699; 1000 Genomes Project 0.99740.
gnomAD v4.1: 151,711 of 152,340 alleles (100%); highest among the groups gnomAD compares: Middle Eastern, 100%; 75,543 homozygotes.

Submission:

GeneDx
Classification: Benign. Last evaluated: 2018-06-14. Review status: criteria provided, single submitter. Criteria: GeneDx Variant Classification (06012015). Collection method: clinical testing. Allele origin: germline. Affected: yes.
Comment: This variant is considered likely benign or benign based on one or more of the following criteria: it is a conservative change, it occurs at a poorly conserved position in the protein, it is predicted to be benign by multiple in silico algorithms, and/or has population frequency not consistent with disease.

NM_000069.3(CACNA1S):c.694+243G>A

Gene: CACNA1S (calcium voltage-gated channel subunit alpha1 S; minus strand). Cytogenetic location: 1q32.1.
Variant type: single nucleotide variant.
Coding change: c.694+243G>A on transcript NM_000069.3 (MANE Select); 243 bases into the intron after coding-DNA position 694, G replaced by A.
Molecular consequence: intron variant.
Genome position (GRCh38, 1-based): chr1:201,091,397, C>T on the plus strand (G>A on the coding strand, the complement: CACNA1S is on the minus strand). VCF-style: chr1-201091397-C-T. GRCh37 (hg19) VCF-style: chr1-201060525-C-T.
Identifiers: ClinVar variation 678216 (VCV000678216.1), dbSNP rs7532130, ClinGen allele CA35996144.
Genomic context (GRCh38, chr1:201,091,397, plus strand): 5'-CCTATGTCTCCATCTACCACAGGTCCAGAGAGCCTGGAACATACCACATTGTATGTGGGG[C>T]AGGGGGGTGACGGTGTTTCAGAACCAGCCATGGCCCAGGCCCCTGCTCACTTTCTTGGCT-3'